The following is an entry in ClinVar:

ClinVar aggregate classification (germline): Uncertain significance (1 of 4 stars; one submission).

Allele frequency attached by ClinVar (database versions not stated): gnomAD exomes below 0.00001.

Submission:

Labcorp Genetics (formerly Invitae), Labcorp
Classification: Uncertain significance. Last evaluated: 2021-02-20. Review status: criteria provided, single submitter. Criteria: Invitae Variant Classification Sherloc (09022015). Collection method: clinical testing. Allele origin: germline.
Comment: In summary, the available evidence is currently insufficient to determine the role of this variant in disease. Therefore, it has been classified as a Variant of Uncertain Significance. Algorithms developed to predict the effect of sequence changes on RNA splicing suggest that this variant may create or strengthen a splice site, but this prediction has not been confirmed by published transcriptional studies. Algorithms developed to predict the effect of missense changes on protein structure and function (SIFT, PolyPhen-2, Align-GVGD) all suggest that this variant is likely to be tolerated, but these predictions have not been confirmed by published functional studies and their clinical significance is uncertain. This variant has not been reported in the literature in individuals with SNRNP200-related conditions. This variant is not present in population databases (ExAC no frequency). This sequence change replaces lysine with arginine at codon 1025 of the SNRNP200 protein (p.Lys1025Arg). The lysine residue is moderately conserved and there is a small physicochemical difference between lysine and arginine.

NM_014014.5(SNRNP200):c.3074A>G (p.Lys1025Arg)

Gene: SNRNP200 (small nuclear ribonucleoprotein U5 subunit 200; minus strand). Cytogenetic location: 2q11.2.
Variant type: single nucleotide variant.
Coding change: c.3074A>G on transcript NM_014014.5 (MANE Select); coding-DNA position 3074, A replaced by G.
Protein change: p.Lys1025Arg; replaces lysine 1025 with arginine.
Molecular consequence: missense variant.
Genome position (GRCh38, 1-based): chr2:96,289,246, T>C on the plus strand (A>G on the coding strand, the complement: SNRNP200 is on the minus strand). VCF-style: chr2-96289246-T-C. GRCh37 (hg19) VCF-style: chr2-96954984-T-C.
Other names: short protein forms K1025R.
Identifiers: ClinVar variation 1434911 (VCV001434911.8), dbSNP rs2104347738, ClinGen allele CA347674053.